The following is an entry in ClinVar:

NM_000399.5(EGR2):c.122A>G (p.Asn41Ser)

Gene: EGR2 (early growth response 2; minus strand). Cytogenetic location: 10q21.3.
Variant type: single nucleotide variant.
Coding change: c.122A>G on transcript NM_000399.5 (MANE Select); coding-DNA position 122, A replaced by G.
Protein change: p.Asn41Ser; replaces asparagine 41 with serine.
Molecular consequence: missense variant. On other transcripts: 5 prime UTR variant (2).
Genome position (GRCh38, 1-based): chr10:62,815,908, T>C on the plus strand (A>G on the coding strand, the complement: EGR2 is on the minus strand). VCF-style: chr10-62815908-T-C. GRCh37 (hg19) VCF-style: chr10-64575668-T-C.
Other names: c.122A>G, p.Asn41Ser (NM_001136177.3, NM_001136178.2); c.-29A>G (NM_001136179.3, NM_001321037.2); c.161A>G, p.Asn54Ser (NM_001410931.1); short protein forms N41S, N54S.
Identifiers: ClinVar variation 2569660 (VCV002569660.6), dbSNP rs570980722, ClinGen allele CA5517336.
Genomic context (GRCh38, chr10:62,815,908, plus strand): 5'-ACACGCGGCTTACCTCCGGCCACTCCGTTCATCTGGTCAAAGGGGCCTCCCAGTTCGGCA[T>C]TGGGAAAGATGGTCACCGACGTGGCGGCGAGGTCCTCCACCGGGTAGATGTTGTCAGACA-3'
Protein context (NP_000390.2, residues 31-51): LAATSVTIFP[Asn41Ser]AELGGPFDQM

ClinVar aggregate classification (germline): Uncertain significance. Review status: criteria provided, multiple submitters, no conflicts (2 of 4 stars). 3 submissions from 3 submitters: Uncertain significance (3). Last evaluated 2025-09-22.

Conditions:
Inborn genetic diseases. Identifiers: MedGen C0950123, MeSH D030342.
Charcot-Marie-Tooth disease, type I (CMT1). Also called: Charcot-Marie-Tooth, Type 1; Charcot-Marie-Tooth disease type 1. Identifiers: Orphanet 65753, MedGen C0751036, MONDO:0019011.

Allele frequency attached by ClinVar (database versions not stated): TOPMed 0.00001; gnomAD exomes 0.00001; ExAC 0.00001; gnomAD 0.00001; 1000 Genomes Project 0.00020.
gnomAD v4.1: 15 of 1,614,016 alleles (0.00093%); highest among the groups gnomAD compares: East Asian, 0.0045%; no homozygotes.

Submissions (3):

Labcorp Genetics (formerly Invitae), Labcorp
Classification: Uncertain significance for Charcot-Marie-Tooth disease, type I. Last evaluated: 2025-09-22. Review status: criteria provided, single submitter. Criteria: Invitae Variant Classification Sherloc (09022015). Collection method: clinical testing. Allele origin: germline.
Comment: This sequence change replaces asparagine, which is neutral and polar, with serine, which is neutral and polar, at codon 41 of the EGR2 protein (p.Asn41Ser). This variant is present in population databases (rs570980722, gnomAD 0.003%). This variant has not been reported in the literature in individuals affected with EGR2-related conditions. ClinVar contains an entry for this variant (Variation ID: 2569660). Invitae Evidence Modeling of protein sequence and biophysical properties (such as structural, functional, and spatial information, amino acid conservation, physicochemical variation, residue mobility, and thermodynamic stability) has been performed for this missense variant. However, the output from this modeling did not meet the statistical confidence thresholds required to predict the impact of this variant on EGR2 protein function. In summary, the available evidence is currently insufficient to determine the role of this variant in disease. Therefore, it has been classified as a Variant of Uncertain Significance.

GeneDx
Classification: Uncertain significance. Last evaluated: 2025-03-19. Review status: criteria provided, single submitter. Criteria: GeneDx Variant Classification Process June 2021. Collection method: clinical testing. Allele origin: germline. Affected: yes.
Comment: In silico analysis indicates that this missense variant does not alter protein structure/function; Has not been previously published as pathogenic or benign to our knowledge

Ambry Genetics
Classification: Uncertain significance for Inborn genetic diseases. Last evaluated: 2023-05-03. Review status: criteria provided, single submitter. Criteria: Ambry Variant Classification Scheme 2023. Collection method: clinical testing. Allele origin: germline.